The following is an entry in ClinVar:

NM_003998.4(NFKB1):c.1561G>A (p.Ala521Thr)

Gene: NFKB1 (nuclear factor kappa B subunit 1; plus strand). Cytogenetic location: 4q24.
Variant type: single nucleotide variant.
Coding change: c.1561G>A on transcript NM_003998.4 (MANE Select); coding-DNA position 1561, G replaced by A.
Protein change: p.Ala521Thr; replaces alanine 521 with threonine.
Molecular consequence: missense variant.
Genome position (GRCh38, 1-based): chr4:102,597,585, G>A. VCF-style: chr4-102597585-G-A. GRCh37 (hg19) VCF-style: chr4-103518742-G-A.
Other names: c.1558G>A, p.Ala520Thr (NM_001165412.2, NM_001319226.2, NM_001382627.1); c.1561G>A, p.Ala521Thr (NM_001382625.1, NM_001382626.1); c.1519G>A, p.Ala507Thr (NM_001382628.1); short protein forms A507T, A520T, A521T.
Identifiers: ClinVar variation 1913112 (VCV001913112.6), dbSNP rs767590342, ClinGen allele CA3026199.

ClinVar aggregate classification (germline): Uncertain significance. Review status: criteria provided, multiple submitters, no conflicts (2 of 4 stars). 2 submissions from 2 submitters: Uncertain significance (2). Last evaluated 2025-10-15.

Allele frequency attached by ClinVar (database versions not stated): gnomAD exomes 0.00001; ExAC 0.00002; TOPMed 0.00004; gnomAD 0.00005.
gnomAD v4.1: 16 of 1,613,856 alleles (0.00099%); highest among the groups gnomAD compares: South Asian, 0.0088%; no homozygotes.

Submissions (2):

Labcorp Genetics (formerly Invitae), Labcorp
Classification: Uncertain significance. Last evaluated: 2025-10-15. Review status: criteria provided, single submitter. Criteria: Invitae Variant Classification Sherloc (09022015). Collection method: clinical testing. Allele origin: germline.
Comment: This sequence change replaces alanine, which is neutral and non-polar, with threonine, which is neutral and polar, at codon 521 of the NFKB1 protein (p.Ala521Thr). This variant is present in population databases (rs767590342, gnomAD 0.003%). This variant has not been reported in the literature in individuals affected with NFKB1-related conditions. ClinVar contains an entry for this variant (Variation ID: 1913112). Invitae Evidence Modeling of protein sequence and biophysical properties (such as structural, functional, and spatial information, amino acid conservation, physicochemical variation, residue mobility, and thermodynamic stability) indicates that this missense variant is not expected to disrupt NFKB1 protein function with a negative predictive value of 80%. In summary, the available evidence is currently insufficient to determine the role of this variant in disease. Therefore, it has been classified as a Variant of Uncertain Significance.

Blueprint Genetics
Classification: Uncertain significance. Last evaluated: 2020-04-24. Review status: criteria provided, single submitter. Criteria: ACMG Guidelines, 2015. Collection method: clinical testing. Allele origin: germline.